The following is an entry in ClinVar:

NM_000836.4(GRIN2D):c.253C>T (p.Arg85Trp)

Gene: GRIN2D (glutamate ionotropic receptor NMDA type subunit 2D; plus strand). Cytogenetic location: 19q13.33.
Variant type: single nucleotide variant.
Coding change: c.253C>T on transcript NM_000836.4 (MANE Select); coding-DNA position 253, C replaced by T.
Protein change: p.Arg85Trp; replaces arginine 85 with tryptophan.
Molecular consequence: missense variant.
Genome position (GRCh38, 1-based): chr19:48,398,645, C>T. VCF-style: chr19-48398645-C-T. GRCh37 (hg19) VCF-style: chr19-48901902-C-T.
Other names: short protein forms R85W.
Identifiers: ClinVar variation 4765383 (VCV004765383.1).

ClinVar aggregate classification (germline): Uncertain significance (1 of 4 stars; one submission).

gnomAD v4.1: 2 of 1,428,908 alleles (0.00014%); highest among the groups gnomAD compares: Non-Finnish European, 0.00018%; no homozygotes.

Submission:

Labcorp Genetics (formerly Invitae), Labcorp
Classification: Uncertain significance. Last evaluated: 2025-11-06. Review status: criteria provided, single submitter. Criteria: Invitae Variant Classification Sherloc (09022015). Collection method: clinical testing. Allele origin: germline.
Comment: This sequence change replaces arginine, which is basic and polar, with tryptophan, which is neutral and slightly polar, at codon 85 of the GRIN2D protein (p.Arg85Trp). The frequency data for this variant in the population databases is considered unreliable, as metrics indicate poor data quality at this position in the gnomAD database. This variant has not been reported in the literature in individuals affected with GRIN2D-related conditions. Invitae Evidence Modeling of protein sequence and biophysical properties (such as structural, functional, and spatial information, amino acid conservation, physicochemical variation, residue mobility, and thermodynamic stability) indicates that this missense variant is not expected to disrupt GRIN2D protein function with a negative predictive value of 80%. In summary, the available evidence is currently insufficient to determine the role of this variant in disease. Therefore, it has been classified as a Variant of Uncertain Significance.